The following is an entry in ClinVar:

ClinVar aggregate classification (germline): Uncertain significance (1 of 4 stars; one submission).

Conditions:
Pierson syndrome. Also called: MICROCORIA-CONGENITAL NEPHROTIC SYNDROME. Identifiers: Orphanet 2670, MedGen C1836876, MONDO:0012184, OMIM 609049.
LAMB2-related infantile-onset nephrotic syndrome. Also called: Nephrotic Syndrome, type 5; NEPHROTIC SYNDROME, TYPE 5, WITHOUT OCULAR ABNORMALITIES; NEPHROTIC SYNDROME, TYPE 5, WITH OCULAR ABNORMALITIES. Identifiers: Orphanet 306507, MedGen C3280113, MONDO:0013621, OMIM 614199.

Allele frequency attached by ClinVar (database versions not stated): gnomAD exomes below 0.00001; TOPMed below 0.00001; gnomAD 0.00003.

Submission:

Labcorp Genetics (formerly Invitae), Labcorp
Classification: Uncertain significance for LAMB2-related infantile-onset nephrotic syndrome; Pierson syndrome. Last evaluated: 2024-10-18. Review status: criteria provided, single submitter. Criteria: Invitae Variant Classification Sherloc (09022015). Collection method: clinical testing. Allele origin: germline.
Comment: This sequence change replaces arginine, which is basic and polar, with histidine, which is basic and polar, at codon 1207 of the LAMB2 protein (p.Arg1207His). The frequency data for this variant in the population databases is considered unreliable, as metrics indicate poor data quality at this position in the gnomAD database. This variant has not been reported in the literature in individuals affected with LAMB2-related conditions. ClinVar contains an entry for this variant (Variation ID: 955504). An algorithm developed to predict the effect of missense changes on protein structure and function (PolyPhen-2) suggests that this variant¬¨‚Ä†is likely to be tolerated. In summary, the available evidence is currently insufficient to determine the role of this variant in disease. Therefore, it has been classified as a Variant of Uncertain Significance.

NM_002292.4(LAMB2):c.3620G>A (p.Arg1207His)

Gene: LAMB2 (laminin subunit beta 2; minus strand). Cytogenetic location: 3p21.31.
Variant type: single nucleotide variant.
Coding change: c.3620G>A on transcript NM_002292.4 (MANE Select); coding-DNA position 3620, G replaced by A.
Protein change: p.Arg1207His; replaces arginine 1207 with histidine.
Molecular consequence: missense variant.
Genome position (GRCh38, 1-based): chr3:49,123,905, C>T on the plus strand (G>A on the coding strand, the complement: LAMB2 is on the minus strand). VCF-style: chr3-49123905-C-T. GRCh37 (hg19) VCF-style: chr3-49161338-C-T.
Other names: short protein forms R1207H.
Identifiers: ClinVar variation 955504 (VCV000955504.6), dbSNP rs1447799031, ClinGen allele CA352706005.